The following is an entry in ClinVar:

ClinVar aggregate classification (germline): Uncertain significance. Review status: criteria provided, multiple submitters, no conflicts (2 of 4 stars). 2 submissions from 2 submitters: Uncertain significance (2). Last evaluated 2025-11-10.

Conditions:
Inborn genetic diseases. Identifiers: MedGen C0950123, MeSH D030342.
Immunodeficiency 35 (IMD35). Also called: TYK2 DEFICIENCY; Susceptibility to infection due to TYK2 deficiency; HIES WITH ATYPICAL MYCOBACTERIOSIS, AUTOSOMAL RECESSIVE; HYPER-IgE SYNDROME WITH ATYPICAL MYCOBACTERIOSIS, AUTOSOMAL RECESSIVE. Identifiers: Orphanet 331226, MedGen C1969086, MONDO:0012682, OMIM 611521.

Allele frequency attached by ClinVar (database versions not stated): gnomAD exomes 0.00003 and 0.00004; ExAC 0.00004; TOPMed 0.00009.
gnomAD v4.1: 64 of 1,613,970 alleles (0.004%); highest among the groups gnomAD compares: Middle Eastern, 0.016%; no homozygotes.

Submissions (2):

Labcorp Genetics (formerly Invitae), Labcorp
Classification: Uncertain significance for Immunodeficiency 35. Last evaluated: 2025-11-10. Review status: criteria provided, single submitter. Criteria: Invitae Variant Classification Sherloc (09022015). Collection method: clinical testing. Allele origin: germline.
Comment: This sequence change replaces proline, which is neutral and non-polar, with leucine, which is neutral and non-polar, at codon 120 of the TYK2 protein (p.Pro120Leu). This variant is present in population databases (rs758463317, gnomAD 0.007%). This variant has not been reported in the literature in individuals affected with TYK2-related conditions. ClinVar contains an entry for this variant (Variation ID: 1010261). An algorithm developed to predict the effect of missense changes on protein structure and function outputs the following: PolyPhen-2: "Benign". The leucine amino acid residue is found in multiple mammalian species, which suggests that this missense change does not adversely affect protein function. In summary, the available evidence is currently insufficient to determine the role of this variant in disease. Therefore, it has been classified as a Variant of Uncertain Significance.

Ambry Genetics
Classification: Uncertain significance for Inborn genetic diseases. Last evaluated: 2025-08-05. Review status: criteria provided, single submitter. Criteria: Ambry Variant Classification Scheme 2023. Collection method: clinical testing. Allele origin: germline.

NM_003331.5(TYK2):c.359C>T (p.Pro120Leu)

Gene: TYK2 (tyrosine kinase 2; minus strand). Cytogenetic location: 19p13.2.
Variant type: single nucleotide variant.
Coding change: c.359C>T on transcript NM_003331.5 (MANE Select); coding-DNA position 359, C replaced by T.
Protein change: p.Pro120Leu; replaces proline 120 with leucine.
Molecular consequence: missense variant.
Genome position (GRCh38, 1-based): chr19:10,368,161, G>A on the plus strand (C>T on the coding strand, the complement: TYK2 is on the minus strand). VCF-style: chr19-10368161-G-A. GRCh37 (hg19) VCF-style: chr19-10478837-G-A.
Other names: c.359C>T, p.Pro120Leu (NM_001385197.1, NM_001385198.1, NM_001385199.1 and 8 more transcripts); c.359C>T (NM_003331.4); short protein forms P120L.
Identifiers: ClinVar variation 1010261 (VCV001010261.10), dbSNP rs758463317, ClinGen allele CA9193758.